The following is an entry in ClinVar:

ClinVar aggregate classification (germline): Uncertain significance. Review status: criteria provided, multiple submitters, no conflicts (2 of 4 stars). 2 submissions from 2 submitters: Uncertain significance (2). Last evaluated 2024-11-15.

gnomAD v4.1: 52 of 1,465,300 alleles (0.0035%); highest among the groups gnomAD compares: South Asian, 0.026%; 1 homozygote.

Submissions (2):

GeneDx
Classification: Uncertain significance. Last evaluated: 2024-11-15. Review status: criteria provided, single submitter. Criteria: GeneDx Variant Classification Process June 2021. Collection method: clinical testing. Allele origin: germline.
Comment: In silico analysis supports that this missense variant has a deleterious effect on protein structure/function; Has not been previously published as pathogenic or benign to our knowledge

Mayo Clinic Laboratories, Mayo Clinic
Classification: Uncertain significance. Last evaluated: 2024-08-30. Review status: criteria provided, single submitter. Criteria: ACMG Guidelines, 2015. Collection method: clinical testing. Allele origin: germline. Observed: 1 variant allele.
Comment: PP3, PM2

NM_001142864.4(PIEZO1):c.3092G>A (p.Arg1031His)

Genes: HSALR1 (HSP90AB1 associated lncRNA 1; plus strand), PIEZO1 (piezo type mechanosensitive ion channel component 1 (Er blood group); minus strand). Cytogenetic location: 16q24.3.
Variant type: single nucleotide variant.
Coding change: c.3092G>A on transcript NM_001142864.4 (MANE Select); coding-DNA position 3092, G replaced by A.
Protein change: p.Arg1031His; replaces arginine 1031 with histidine.
Molecular consequence: missense variant.
Genome position (GRCh38, 1-based): chr16:88,731,810, C>T on the plus strand (G>A on the coding strand, the complement: PIEZO1 is on the minus strand). VCF-style: chr16-88731810-C-T. GRCh37 (hg19) VCF-style: chr16-88798218-C-T.
Other names: p.Arg1031His; short protein forms R1031H.
Identifiers: ClinVar variation 3364190 (VCV003364190.3).
Genomic context (GRCh38, chr16:88,731,810, plus strand): 5'-TACAGCAGGAACAGCGCCAGGAAGAGGCAGTAGTTGGGCCAGAGGCGGGCAATGGCCTGG[C>T]GGTGCCTGCGGGTGAGGATGGCCACCAGCCAGCAACCGTGCAGGGTCACCAGAAAGTTCA-3'
Protein context (NP_001136336.2, residues 1021-1041): WLVAILTRRH[Arg1031His]QAIARLWPNY